The following is an entry in ClinVar:

ClinVar aggregate classification (germline): Benign/Likely benign. Review status: criteria provided, multiple submitters, no conflicts (2 of 4 stars). 10 submissions from 10 submitters: Benign (9); Likely benign (1). Last evaluated 2026-02-03.

Conditions:
Cardiovascular phenotype. Identifiers: MedGen CN230736.
Noonan syndrome and Noonan-related syndrome. Identifiers: Orphanet 98733, MedGen C5681679, MONDO:0020297.
Noonan syndrome 9 (NS9). Identifiers: Orphanet 648, MedGen C4225282, MONDO:0014691, OMIM 616559.

Allele frequency attached by ClinVar (database versions not stated): gnomAD exomes 0.00094 and 0.00254; ExAC 0.00314; 1000 Genomes Project 0.00859; gnomAD 0.00898 and 0.00961; 1000 Genomes Project 30x 0.00953; TOPMed 0.01013; ESP Exome Variant Server 0.01092.
gnomAD v4.1: 2,760 of 1,561,080 alleles (0.18%); highest among the groups gnomAD compares: African/African-American, 3.2%; 36 homozygotes.

Submissions (10):

Labcorp Genetics (formerly Invitae), Labcorp
Classification: Benign for Noonan syndrome 9. Last evaluated: 2026-02-03. Review status: criteria provided, single submitter. Criteria: Invitae Variant Classification Sherloc (09022015). Collection method: clinical testing. Allele origin: germline.

Blueprint Genetics
Classification: Likely benign. Last evaluated: 2024-11-25. Review status: criteria provided, single submitter. Criteria: ACMG Guidelines, 2015. Collection method: clinical testing. Allele origin: germline.

ARUP Laboratories, Molecular Genetics and Genomics, ARUP Laboratories
Classification: Benign for Noonan syndrome 9. Last evaluated: 2023-10-13. Review status: criteria provided, single submitter. Criteria: ARUP Molecular Germline Variant Investigation Process 2024. Collection method: clinical testing. Allele origin: germline.

Mayo Clinic Laboratories, Mayo Clinic
Classification: Benign. Last evaluated: 2023-10-04. Review status: criteria provided, single submitter. Criteria: ACMG Guidelines, 2015. Collection method: clinical testing. Allele origin: germline. Observed: 7 variant alleles.
Comment: BS1, BS2, BP4, BP7

Genome Diagnostics Laboratory, The Hospital for Sick Children
Classification: Benign for Noonan syndrome and Noonan-related syndrome. Last evaluated: 2021-06-21. Review status: criteria provided, single submitter. Criteria: ACMG Guidelines, 2015. Collection method: clinical testing. Allele origin: germline.

Ambry Genetics
Classification: Benign for Cardiovascular phenotype. Last evaluated: 2020-01-15. Review status: criteria provided, single submitter. Criteria: Ambry Variant Classification Scheme 2023. Collection method: clinical testing. Allele origin: germline.

Women's Health and Genetics/Laboratory Corporation of America, LabCorp
Classification: Benign. Last evaluated: 2017-04-12. Review status: criteria provided, single submitter. Criteria: LabCorp Variant Classification Summary - May 2015. Collection method: clinical testing. Allele origin: germline.
Comment: Variant summary: The SOS2 c.2162-4C>A variant involves the alteration of a non-conserved intronic nucleotide. Mutation taster predicts a polymorphism outcome for this variant. 5/5 splice prediction tools predict no significant impact on normal splicing. This variant was found in 381/121160 control chromosomes from ExAC (including 4 homozygotes), predominantly observed in the African subpopulation at a frequency of 0.033436 (347/10378). This frequency is about 13374 times the estimated maximal expected allele frequency of a pathogenic SOS2 variant (0.0000025), suggesting this is likely a benign polymorphism found primarily in the populations of African origin. In addition, one clinical diagnostic laboratory in ClinVar has classified this variant as benign. The variant of interest has not, to our knowledge, been reported in literature. Taken together, this variant is classified as Benign.

GeneDx
Classification: Benign. Last evaluated: 2017-01-04. Review status: criteria provided, single submitter. Criteria: GeneDx Variant Classification (06012015). Collection method: clinical testing. Allele origin: germline. Affected: yes.
Comment: This variant is considered likely benign or benign based on one or more of the following criteria: it is a conservative change, it occurs at a poorly conserved position in the protein, it is predicted to be benign by multiple in silico algorithms, and/or has population frequency not consistent with disease.

Breakthrough Genomics
Classification: Benign. Review status: criteria provided, single submitter. Criteria: ACMG Guidelines, 2015. Collection method: not provided. Allele origin: germline. Inheritance: Autosomal dominant inheritance. Affected: yes.

Genome-Nilou Lab
Classification: Benign for Noonan syndrome 9. Review status: criteria provided, single submitter. Criteria: ACMG Guidelines, 2015. Collection method: clinical testing. Allele origin: germline.

NM_006939.4(SOS2):c.2162-4C>A

Gene: SOS2 (SOS Ras/Rho guanine nucleotide exchange factor 2; minus strand). Cytogenetic location: 14q21.3.
Variant type: single nucleotide variant.
Coding change: c.2162-4C>A on transcript NM_006939.4 (MANE Select); 4 bases into the intron before coding-DNA position 2162, C replaced by A.
Molecular consequence: intron variant.
Genome position (GRCh38, 1-based): chr14:50,150,234, G>T on the plus strand (C>A on the coding strand, the complement: SOS2 is on the minus strand). VCF-style: chr14-50150234-G-T. GRCh37 (hg19) VCF-style: chr14-50616952-G-T.
Other names: p.?.
Identifiers: ClinVar variation 387330 (VCV000387330.24), dbSNP rs57179949, ClinGen allele CA7177101.